The following is an entry in ClinVar:

ClinVar aggregate classification (germline): Uncertain significance (1 of 4 stars; one submission).

Submission:

Ambry Genetics
Classification: Uncertain significance. Last evaluated: 2026-07-13. Review status: criteria provided, single submitter. Criteria: Ambry Variant Classification Scheme 2023. Collection method: clinical testing. Allele origin: germline.
Comment: The p.S29I variant (also known as c.86G>T), located in coding exon 1 of the CDK12 gene, results from a G to T substitution at nucleotide position 86. The serine at codon 29 is replaced by isoleucine, an amino acid with dissimilar properties. This amino acid position is conserved. In addition, this alteration is predicted to be tolerated by in silico analysis. Based on the available evidence, the clinical significance of this variant remains unclear.

NM_016507.4(CDK12):c.86G>T (p.Ser29Ile)

Genes: CDK12 (cyclin dependent kinase 12; plus strand), LOC126862553 (CDK7 strongly-dependent group 2 enhancer GRCh37_chr17:37618166-37619365; plus strand). Cytogenetic location: 17q12.
Variant type: single nucleotide variant.
Coding change: c.86G>T on transcript NM_016507.4 (MANE Select); coding-DNA position 86, G replaced by T.
Protein change: p.Ser29Ile; replaces serine 29 with isoleucine.
Molecular consequence: missense variant.
Genome position (GRCh38, 1-based): chr17:39,462,157, G>T. VCF-style: chr17-39462157-G-T. GRCh37 (hg19) VCF-style: chr17-37618410-G-T.
Other names: c.86G>T, p.Ser29Ile (NM_015083.4); short protein forms S29I.
Identifiers: ClinVar variation 5034097 (VCV005034097.1).